The following is an entry in ClinVar:

NM_015692.5(CPAMD8):c.789C>T (p.Ala263=)

Gene: CPAMD8 (C3 and PZP like alpha-2-macroglobulin domain containing 8; minus strand). Cytogenetic location: 19p13.11.
Variant type: single nucleotide variant.
Coding change: c.789C>T on transcript NM_015692.5 (MANE Select); coding-DNA position 789, C replaced by T.
Protein change: p.Ala263=; no amino-acid change (alanine 263 retained).
Molecular consequence: synonymous variant. On other transcripts: non-coding transcript variant (1).
Genome position (GRCh38, 1-based): chr19:17,000,492, G>A on the plus strand (C>T on the coding strand, the complement: CPAMD8 is on the minus strand). VCF-style: chr19-17000492-G-A. GRCh37 (hg19) VCF-style: chr19-17111302-G-A.
Identifiers: ClinVar variation 3040498 (VCV003040498.2), dbSNP rs185567261, ClinGen allele CA9285947.

ClinVar aggregate classification (germline): Likely benign (0 of 4 stars; one submission).

Conditions:
CPAMD8-related disorder. Also called: CPAMD8-related condition.

Allele frequency attached by ClinVar (database versions not stated): gnomAD exomes 0.00003; ExAC 0.00013; 1000 Genomes Project 30x 0.00016; 1000 Genomes Project 0.00020; TOPMed 0.00048; ESP Exome Variant Server 0.00049; gnomAD 0.00050.
gnomAD v4.1: 120 of 1,439,928 alleles (0.0083%); highest among the groups gnomAD compares: African/African-American, 0.15%; 2 homozygotes.

Submission:

PreventionGenetics, part of Exact Sciences
Classification: Likely benign for CPAMD8-related condition. Last evaluated: 2019-03-20. Review status: no assertion criteria provided. Collection method: clinical testing. Allele origin: germline.
Comment: This variant is classified as likely benign based on ACMG/AMP sequence variant interpretation guidelines (Richards et al. 2015 PMID: 25741868, with internal and published modifications).